The following is an entry in ClinVar:

NM_003718.5(CDK13):c.3116C>T (p.Thr1039Ile)

Gene: CDK13 (cyclin dependent kinase 13; plus strand). Cytogenetic location: 7p14.1.
Variant type: single nucleotide variant.
Coding change: c.3116C>T on transcript NM_003718.5 (MANE Select); coding-DNA position 3116, C replaced by T.
Protein change: p.Thr1039Ile; replaces threonine 1039 with isoleucine.
Molecular consequence: missense variant.
Genome position (GRCh38, 1-based): chr7:40,088,212, C>T. VCF-style: chr7-40088212-C-T. GRCh37 (hg19) VCF-style: chr7-40127811-C-T.
Other names: c.3116C>T, p.Thr1039Ile (NM_031267.4); short protein forms T1039I.
Identifiers: ClinVar variation 1707029 (VCV001707029.2), dbSNP rs1786834822, ClinGen allele CA367293255.

ClinVar aggregate classification (germline): Uncertain significance (1 of 4 stars; one submission).

Allele frequency attached by ClinVar (database versions not stated): gnomAD exomes below 0.00001.
gnomAD v4.1: 1 of 1,613,768 alleles (0.000062%); highest among the groups gnomAD compares: Non-Finnish European, 0.000085%; no homozygotes.

Submission:

GeneDx
Classification: Uncertain significance. Last evaluated: 2022-03-25. Review status: criteria provided, single submitter. Criteria: GeneDx Variant Classification Process June 2021. Collection method: clinical testing. Allele origin: germline. Affected: yes.
Comment: Not observed at significant frequency in large population cohorts (gnomAD); In silico analysis supports that this missense variant does not alter protein structure/function; Has not been previously published as pathogenic or benign to our knowledge